The following is an entry in ClinVar:

ClinVar aggregate classification (germline): Uncertain significance (1 of 4 stars; one submission).

Submission:

Ambry Genetics
Classification: Uncertain significance. Last evaluated: 2022-12-26. Review status: criteria provided, single submitter. Criteria: Ambry Variant Classification Scheme 2023. Collection method: clinical testing. Allele origin: germline.
Comment: The p.S726N variant (also known as c.2177G>A), located in coding exon 13 of the NPAT gene, results from a G to A substitution at nucleotide position 2177. The serine at codon 726 is replaced by asparagine, an amino acid with highly similar properties. This amino acid position is conserved. In addition, this alteration is predicted to be tolerated by in silico analysis. Since supporting evidence is limited at this time, the clinical significance of this alteration remains unclear.

NM_002519.3(NPAT):c.2177G>A (p.Ser726Asn)

Gene: NPAT (nuclear protein, coactivator of histone transcription; minus strand). Cytogenetic location: 11q22.3.
Variant type: single nucleotide variant.
Coding change: c.2177G>A on transcript NM_002519.3 (MANE Select); coding-DNA position 2177, G replaced by A.
Protein change: p.Ser726Asn; replaces serine 726 with asparagine.
Molecular consequence: missense variant.
Genome position (GRCh38, 1-based): chr11:108,172,807, C>T on the plus strand (G>A on the coding strand, the complement: NPAT is on the minus strand). VCF-style: chr11-108172807-C-T. GRCh37 (hg19) VCF-style: chr11-108043534-C-T.
Other names: c.2177G>A, p.Ser726Asn (NM_001321307.1); short protein forms S726N.
Identifiers: ClinVar variation 2453764 (VCV002453764.2), dbSNP rs2496718352, ClinGen allele CA382513525.